The following is an entry in ClinVar:

NM_174878.3(CLRN1):c.236G>A (p.Arg79Lys)

Gene: CLRN1 (clarin 1; minus strand). Cytogenetic location: 3q25.1.
Variant type: single nucleotide variant.
Coding change: c.236G>A on transcript NM_174878.3 (MANE Select); coding-DNA position 236, G replaced by A.
Protein change: p.Arg79Lys; replaces arginine 79 with lysine.
Molecular consequence: missense variant. On other transcripts: non-coding transcript variant (1).
Genome position (GRCh38, 1-based): chr3:150,972,473, C>T on the plus strand (G>A on the coding strand, the complement: CLRN1 is on the minus strand). VCF-style: chr3-150972473-C-T. GRCh37 (hg19) VCF-style: chr3-150690260-C-T.
Other names: c.236G>A, p.Arg79Lys (NM_001195794.1, NM_001256819.2); short protein forms R79K.
Identifiers: ClinVar variation 2119799 (VCV002119799.1), dbSNP rs2472830687, ClinGen allele CA355011769.

ClinVar aggregate classification (germline): Uncertain significance (1 of 4 stars; one submission).

Allele frequency attached by ClinVar (database versions not stated): gnomAD exomes below 0.00001.
gnomAD v4.1: 1 of 1,614,160 alleles (0.000062%); highest among the groups gnomAD compares: Non-Finnish European, 0.000085%; no homozygotes.

Submission:

Labcorp Genetics (formerly Invitae), Labcorp
Classification: Uncertain significance. Last evaluated: 2022-08-13. Review status: criteria provided, single submitter. Criteria: Invitae Variant Classification Sherloc (09022015). Collection method: clinical testing. Allele origin: germline.
Comment: This sequence change replaces arginine, which is basic and polar, with lysine, which is basic and polar, at codon 79 of the CLRN1 protein (p.Arg79Lys). This variant is not present in population databases (gnomAD no frequency). This variant has not been reported in the literature in individuals affected with CLRN1-related conditions. Algorithms developed to predict the effect of missense changes on protein structure and function are either unavailable or do not agree on the potential impact of this missense change (SIFT: "Tolerated"; PolyPhen-2: "Probably Damaging"; Align-GVGD: "Class C0"). In summary, the available evidence is currently insufficient to determine the role of this variant in disease. Therefore, it has been classified as a Variant of Uncertain Significance.